The following is an entry in ClinVar:

ClinVar aggregate classification (germline): Likely benign. Review status: criteria provided, multiple submitters, no conflicts (2 of 4 stars). 5 submissions from 5 submitters: Likely benign (4). 1 of the submissions does not count toward it. Last evaluated 2026-03-21.

Conditions:
Inborn genetic diseases. Identifiers: MedGen C0950123, MeSH D030342.
Polycystic kidney disease. Also called: Kidney, Polycystic; Polycystic kidney dysplasia. Identifiers: MedGen C0022680, MeSH D007690, MONDO:0020642, HP:0000113.
PKD1-related disorder. Also called: PKD1-related condition.
Polycystic kidney disease, adult type (PKD1). Also called: Polycystic Kidney, Autosomal Dominant; Polycystic Kidney Disease 1, Autosomal Dominant; Polycystic kidney disease 1; Polycystic kidney disease 1, severe; POLYCYSTIC KIDNEY DISEASE 1 WITH OR WITHOUT POLYCYSTIC LIVER DISEASE; POLYCYSTIC KIDNEY DISEASE, ADULT, TYPE I. Identifiers: MedGen C3149841, MONDO:0008263, OMIM 173900.

Allele frequency attached by ClinVar (database versions not stated): gnomAD exomes 0.00002 and 0.00003; TOPMed 0.00003; gnomAD 0.00005.
gnomAD v4.1: 43 of 1,442,674 alleles (0.003%); highest among the groups gnomAD compares: Admixed American, 0.0098%; no homozygotes.

Submissions (5):

PreventionGenetics, part of Exact Sciences
Classification: Likely benign for PKD1-related condition. Last evaluated: 2026-03-21. Review status: criteria provided, single submitter. Criteria: ACMG Guidelines, 2015. Collection method: clinical testing. Allele origin: germline.
Comment: This variant is classified as likely benign based on ACMG/AMP sequence variant interpretation guidelines (Richards et al. 2015 PMID: 25741868, with internal and published modifications).

Blueprint Genetics
Classification: Likely benign. Last evaluated: 2024-11-21. Review status: criteria provided, single submitter. Criteria: ACMG Guidelines, 2015. Collection method: clinical testing. Allele origin: germline.

Fulgent Genetics
Classification: Likely benign for Polycystic kidney disease, adult type. Last evaluated: 2024-05-13. Review status: criteria provided, single submitter. Criteria: ACMG Guidelines, 2015. Collection method: clinical testing. Allele origin: germline.

Ambry Genetics
Classification: Likely benign for Inborn genetic diseases. Last evaluated: 2021-07-14. Review status: criteria provided, single submitter. Criteria: Ambry Variant Classification Scheme 2023. Collection method: clinical testing. Allele origin: germline.

Department of Pathology and Laboratory Medicine, Sinai Health System
Classification: Likely benign for Polycystic Kidney disease. Review status: no assertion criteria provided. Collection method: clinical testing. Allele origin: unknown. Affected: yes. Study: The Canadian Open Genetics Repository (COGR). Not counted in ClinVar's aggregate classification.
Comment: The PKD1 p.His728Arg variant was not identified in the literature nor was it identified in the ClinVar, LOVD 3.0, ADPKD Mutation Database, or PKD1-LOVD, databases. The variant was identified in dbSNP (ID: rs1050939771). The variant was identified in control databases in 5 of 150234 chromosomes at a frequency of 0.000033 (Genome Aggregation Database Feb 27, 2017). The variant was observed in the following populations: African in 1 of 14832 chromosomes (freq: 0.000067), European in 2 61258 chromosomes (freq: 0.000033), and South Asian in 2 of 19184 chromosomes (freq: 0.0001), while the variant was not observed in the Other, Latino, Ashkenazi Jewish, East Asian, and Finnish, populations. In addition we cannot be certain that data from control databases is specific to PKD1 and not from one of the six PKD1 pseudogenes. The p.His728 residue is not conserved in mammals and computational analyses (PolyPhen-2, SIFT, AlignGVGD, BLOSUM, MutationTaster) do not suggest a high likelihood of impact to the protein; however, this information is not predictive enough to rule out pathogenicity. The variant occurs outside of the splicing consensus sequence and in silico or computational prediction software programs (SpliceSiteFinder, MaxEntScan, NNSPLICE, GeneSplicer) do not predict a difference in splicing. In summary, based on the above information the clinical significance of this variant cannot be determined with certainty at this time although we would lean towards a more benign role for this variant. This variant is classified as likely benign.

NM_001009944.3(PKD1):c.2183A>G (p.His728Arg)

Gene: PKD1 (polycystin 1, transient receptor potential channel interacting; minus strand). Cytogenetic location: 16p13.3.
Variant type: single nucleotide variant.
Coding change: c.2183A>G on transcript NM_001009944.3 (MANE Select); coding-DNA position 2183, A replaced by G.
Protein change: p.His728Arg; replaces histidine 728 with arginine.
Molecular consequence: missense variant.
Genome position (GRCh38, 1-based): chr16:2,114,840, T>C on the plus strand (A>G on the coding strand, the complement: PKD1 is on the minus strand). VCF-style: chr16-2114840-T-C. GRCh37 (hg19) VCF-style: chr16-2164841-T-C.
Other names: c.2183A>G (NM_000296.3, NM_001009944.2); c.2183A>G, p.His728Arg (NM_000296.4); short protein forms H728R.
Identifiers: ClinVar variation 997280 (VCV000997280.9), dbSNP rs1050939771, ClinGen allele CA276782869.